The following is an entry in ClinVar:

ClinVar aggregate classification (germline): Uncertain significance (1 of 4 stars; one submission).

Conditions:
Kabuki syndrome 1 (KABUK1). Also called: KMT2D-Related Kabuki Syndrome. Identifiers: Orphanet 2322, MedGen CN030661, MONDO:0007843, OMIM 147920.

Allele frequency attached by ClinVar (database versions not stated): TOPMed 0.00002.

Submission:

Laboratorio de Genetica e Diagnostico Molecular, Hospital Israelita Albert Einstein
Classification: Uncertain significance for Kabuki syndrome 1. Last evaluated: 2022-06-09. Review status: criteria provided, single submitter. Criteria: ACMG Guidelines, 2015. Collection method: clinical testing. Allele origin: germline. Affected: yes. Observed: 1 variant allele.
Comment: ACMG classification criteria: PM2 moderated

NM_003482.4(KMT2D):c.805C>G (p.Gln269Glu)

Gene: KMT2D (lysine methyltransferase 2D; minus strand). Cytogenetic location: 12q13.12.
Variant type: single nucleotide variant.
Coding change: c.805C>G on transcript NM_003482.4 (MANE Select); coding-DNA position 805, C replaced by G.
Protein change: p.Gln269Glu; replaces glutamine 269 with glutamic acid.
Molecular consequence: missense variant.
Genome position (GRCh38, 1-based): chr12:49,053,510, G>C on the plus strand (C>G on the coding strand, the complement: KMT2D is on the minus strand). VCF-style: chr12-49053510-G-C. GRCh37 (hg19) VCF-style: chr12-49447293-G-C.
Other names: short protein forms Q269E.
Identifiers: ClinVar variation 2431414 (VCV002431414.1), dbSNP rs959680791, ClinGen allele CA236622399.
Genomic context (GRCh38, chr12:49,053,510, plus strand): 5'-CTTTCCTCCTGCCCTTCCATTCCTACCTGCAGGCTTGGCACACTTTGCATTCAGGGCACT[G>C]CCAGCCAGCACGTTTGCGGGCAGTCAGAGCAGTGTCCAGGCAGGCCCCGTGATAGTGATG-3'
Protein context (NP_003473.3, residues 259-279): ALTARKRAGW[Gln269Glu]CPECKVCQAC